The following is an entry in ClinVar:

ClinVar aggregate classification (germline): Uncertain significance (1 of 4 stars; one submission).

Conditions:
Cardiovascular phenotype. Identifiers: MedGen CN230736.
Hereditary cancer-predisposing syndrome. Also called: Neoplastic Syndromes, Hereditary; Tumor predisposition; Hereditary Cancer Syndrome; Hereditary neoplastic syndrome. Identifiers: Orphanet 140162, MedGen C0027672, MeSH D009386, MONDO:0015356.

Submission:

Ambry Genetics
Classification: Uncertain significance for Cardiovascular phenotype; Hereditary cancer-predisposing syndrome. Last evaluated: 2025-11-24. Review status: criteria provided, single submitter. Criteria: Ambry Variant Classification Scheme 2023. Collection method: clinical testing. Allele origin: germline.
Comment: The p.D531E variant (also known as c.1593C>A), located in coding exon 14 of the LZTR1 gene, results from a C to A substitution at nucleotide position 1593. The aspartic acid at codon 531 is replaced by glutamic acid, an amino acid with highly similar properties. This amino acid position is conserved. In addition, the in silico prediction for this alteration is inconclusive. Based on the available evidence, the clinical significance of this variant remains unclear.

NM_006767.4(LZTR1):c.1593C>A (p.Asp531Glu)

Gene: LZTR1 (leucine zipper like post translational regulator 1; plus strand). Cytogenetic location: 22q11.21.
Variant type: single nucleotide variant.
Coding change: c.1593C>A on transcript NM_006767.4 (MANE Select); coding-DNA position 1593, C replaced by A.
Protein change: p.Asp531Glu; replaces aspartic acid 531 with glutamic acid.
Molecular consequence: missense variant.
Genome position (GRCh38, 1-based): chr22:20,994,247, C>A. VCF-style: chr22-20994247-C-A. GRCh37 (hg19) VCF-style: chr22-21348536-C-A.
Other names: short protein forms D531E.
Identifiers: ClinVar variation 4615673 (VCV004615673.1).